The following is an entry in ClinVar:

ClinVar aggregate classification (germline): Pathogenic (1 of 4 stars; one submission).

Submission:

Labcorp Genetics (formerly Invitae), Labcorp
Classification: Pathogenic. Last evaluated: 2021-10-27. Review status: criteria provided, single submitter. Criteria: Invitae Variant Classification Sherloc (09022015). Collection method: clinical testing. Allele origin: germline.
Comment: This sequence change creates a premature translational stop signal (p.Glu172Glyfs*31) in the CUL3 gene. It is expected to result in an absent or disrupted protein product. Loss-of-function variants in CUL3 are known to be pathogenic (PMID: 32341456). This variant is not present in population databases (gnomAD no frequency). This variant has not been reported in the literature in individuals affected with CUL3-related conditions. For these reasons, this variant has been classified as Pathogenic.

Literature cited by the submitters: PubMed 32341456.

NM_003590.5(CUL3):c.514dup (p.Glu172fs)

Gene: CUL3 (cullin 3; minus strand). Cytogenetic location: 2q36.2.
Variant type: Duplication.
Coding change: c.514dup on transcript NM_003590.5 (MANE Select); coding-DNA position 514, one base duplicated (G; older notation c.514dupG).
Protein change: p.Glu172fs; shifts the reading frame from glutamic acid 172.
Molecular consequence: frameshift variant.
Genome position (GRCh38, 1-based): chr2:224,514,637, C duplicated on the plus strand (G on the coding strand, the reverse complement: CUL3 is on the minus strand). VCF-style (leftmost placement, unchanged base first): chr2-224514636-T-TC. GRCh37 (hg19) VCF-style: chr2-225379353-T-TC.
Other names: c.316dup, p.Glu106fs (NM_001257197.2); c.532dup, p.Glu178fs (NM_001257198.2); short protein forms E178fs, E172fs, E106fs.
Identifiers: ClinVar variation 1451655 (VCV001451655.6), dbSNP rs2106223392, ClinGen allele CA2573135502.